The following is an entry in ClinVar:

ClinVar aggregate classification (germline): Pathogenic/Likely pathogenic. Review status: criteria provided, multiple submitters, no conflicts (2 of 4 stars). 2 submissions from 2 submitters: Pathogenic (1); Likely pathogenic (1). Last evaluated 2024-07-24.

Conditions:
Autosomal recessive multiple pterygium syndrome. Also called: MULTIPLE PTERYGIUM SYNDROME, ESCOBAR VARIANT; PTERYGIUM COLLI SYNDROME; PTERYGIUM SYNDROME; PTERYGIUM UNIVERSALE. Identifiers: Orphanet 2990, MedGen C0265261, MONDO:0009926, OMIM 265000.
Lethal multiple pterygium syndrome (LMPS). Identifiers: Orphanet 33108, MedGen C1854678, MONDO:0009668, OMIM 253290.

gnomAD v4.1: 2 of 1,608,678 alleles (0.00012%); highest among the groups gnomAD compares: Non-Finnish European, 0.00017%; no homozygotes.

Submissions (2):

3billion
Classification: Pathogenic for Autosomal recessive multiple pterygium syndrome. Last evaluated: 2024-07-24. Review status: criteria provided, single submitter. Criteria: ACMG Guidelines, 2015. Collection method: clinical testing. Allele origin: germline. Affected: yes.
Comment: The variant is observed at an extremely low frequency in the gnomAD v4.0.0 dataset (total allele frequency: <0.001%). Predicted Consequence/Location: Canonical splice site: predicted to alter splicing and result in a loss or disruption of normal protein function. Multiple pathogenic loss-of-function variants are reported downstream of the variant. In silico tools predict the variant to alter splicing and produce an abnormal transcript [SpliceAI: 0.96 (spliceogenicity >=0.2, non-spliceogenicity <0.1)]. Therefore, this variant is classified as Pathogenic according to the recommendation of ACMG/AMP guideline.

Fulgent Genetics
Classification: Likely pathogenic for Lethal multiple pterygium syndrome; Autosomal recessive multiple pterygium syndrome. Last evaluated: 2024-02-16. Review status: criteria provided, single submitter. Criteria: ACMG Guidelines, 2015. Collection method: clinical testing. Allele origin: germline.

NM_005199.5(CHRNG):c.350+2T>C

Gene: CHRNG (cholinergic receptor nicotinic gamma subunit; plus strand). Cytogenetic location: 2q37.1.
Variant type: single nucleotide variant.
Coding change: c.350+2T>C on transcript NM_005199.5 (MANE Select); the canonical splice donor site of the intron after coding-DNA position 350, T replaced by C.
Molecular consequence: splice donor variant.
Genome position (GRCh38, 1-based): chr2:232,540,713, T>C. VCF-style: chr2-232540713-T-C. GRCh37 (hg19) VCF-style: chr2-233405423-T-C.
Identifiers: ClinVar variation 3586175 (VCV003586175.2).
Genomic context (GRCh38, chr2:232,540,713, plus strand): 5'-TGGGTGCTGAGGGTGCCGTCCACCATGGTGTGGCGGCCGGATATCGTGCTGGAGAACAAG[T>C]GAGGAGGGGGTGCAGGCAGGGGTGTGGGGGACAAAGGACACAGGGTCTGGGCCCAGCAGA-3'